The following is an entry in ClinVar:

ClinVar aggregate classification (germline): Uncertain significance (1 of 4 stars; one submission).

Conditions:
KBG syndrome (KBGS). Also called: ANKRD11-Related KBG Syndrome. Identifiers: Orphanet 2332, MedGen C0220687, MONDO:0007846, OMIM 148050.

Allele frequency attached by ClinVar (database versions not stated): TOPMed below 0.00001.

Submission:

Labcorp Genetics (formerly Invitae), Labcorp
Classification: Uncertain significance for KBG syndrome. Last evaluated: 2021-03-28. Review status: criteria provided, single submitter. Criteria: Invitae Variant Classification Sherloc (09022015). Collection method: clinical testing. Allele origin: germline.
Comment: This variant occurs in a non-coding region of the ANKRD11 gene. It does not change the encoded amino acid sequence of the ANKRD11 protein. The frequency data for this variant in the population databases is considered unreliable, as metrics indicate insufficient coverage at this position in the ExAC database. This variant has not been reported in the literature in individuals with ANKRD11-related conditions. Experimental studies and prediction algorithms are not available or were not evaluated, and the functional significance of this variant is currently unknown. In summary, the available evidence is currently insufficient to determine the role of this variant in disease. Therefore, it has been classified as a Variant of Uncertain Significance.

NM_013275.6(ANKRD11):c.-228C>T

Gene: ANKRD11 (ankyrin repeat domain 11; minus strand). Cytogenetic location: 16q24.3.
Variant type: single nucleotide variant.
Coding change: c.-228C>T on transcript NM_013275.6 (MANE Select); 228 bases upstream of the start codon, C replaced by T.
Molecular consequence: 5 prime UTR variant. On other transcripts: non-coding transcript variant (1).
Genome position (GRCh38, 1-based): chr16:89,490,328, G>A on the plus strand (C>T on the coding strand, the complement: ANKRD11 is on the minus strand). VCF-style: chr16-89490328-G-A. GRCh37 (hg19) VCF-style: chr16-89556736-G-A.
Other names: c.-225C>T (NM_001256183.2); c.-299C>T (NM_001256182.2).
Identifiers: ClinVar variation 1520861 (VCV001520861.1), dbSNP rs1479487347, ClinGen allele CA725697650.